The following is an entry in ClinVar:

NM_017950.4(CCDC40):c.2792C>G (p.Thr931Arg)

Gene: CCDC40 (coiled-coil domain 40 molecular ruler complex subunit; plus strand). Cytogenetic location: 17q25.3.
Variant type: single nucleotide variant.
Coding change: c.2792C>G on transcript NM_017950.4 (MANE Select); coding-DNA position 2792, C replaced by G.
Protein change: p.Thr931Arg; replaces threonine 931 with arginine.
Molecular consequence: missense variant.
Genome position (GRCh38, 1-based): chr17:80,089,844, C>G. VCF-style: chr17-80089844-C-G. GRCh37 (hg19) VCF-style: chr17-78063643-C-G.
Other names: c.2792C>G, p.Thr931Arg (NM_001243342.2); short protein forms T931R.
Identifiers: ClinVar variation 4221233 (VCV004221233.1).

ClinVar aggregate classification (germline): Uncertain significance (1 of 4 stars; one submission).

Conditions:
Primary ciliary dyskinesia. Also called: Ciliary dyskinesia. Identifiers: Orphanet 244, MedGen C0008780, MONDO:0016575, HP:0012265.

gnomAD v4.1: 14 of 1,614,072 alleles (0.00087%); highest among the groups gnomAD compares: Admixed American, 0.005%; no homozygotes.

Submission:

Ambry Genetics
Classification: Uncertain significance for Primary ciliary dyskinesia. Last evaluated: 2025-06-17. Review status: criteria provided, single submitter. Criteria: Ambry Variant Classification Scheme 2023. Collection method: clinical testing. Allele origin: germline.
Comment: The p.T931R variant (also known as c.2792C>G), located in coding exon 17 of the CCDC40 gene, results from a C to G substitution at nucleotide position 2792. The threonine at codon 931 is replaced by arginine, an amino acid with similar properties. This amino acid position is conserved. In addition, this alteration is predicted to be tolerated by in silico analysis. Based on the available evidence, the clinical significance of this variant remains unclear.